The following is an entry in ClinVar:

NM_181882.3(PRX):c.74C>A (p.Ala25Glu)

Genes: PRX (periaxin; minus strand), LOC130064454 (ATAC-STARR-seq lymphoblastoid active region 14650; plus strand). Cytogenetic location: 19q13.2.
Variant type: single nucleotide variant.
Coding change: c.74C>A on transcript NM_181882.3 (MANE Select); coding-DNA position 74, C replaced by A.
Protein change: p.Ala25Glu; replaces alanine 25 with glutamic acid.
Molecular consequence: missense variant.
Genome position (GRCh38, 1-based): chr19:40,403,816, G>T on the plus strand (C>A on the coding strand, the complement: PRX is on the minus strand). VCF-style: chr19-40403816-G-T. GRCh37 (hg19) VCF-style: chr19-40909723-G-T.
Other names: c.74C>A, p.Ala25Glu (NM_020956.2); short protein forms A25E.
Identifiers: ClinVar variation 476980 (VCV000476980.9), dbSNP rs1555802182, ClinGen allele CA405901915.

ClinVar aggregate classification (germline): Uncertain significance (1 of 4 stars; one submission).

Conditions:
Charcot-Marie-Tooth disease type 4. Also called: Charcot-Marie-Tooth disease, type IV; Charcot-Marie-Tooth, Type 4. Identifiers: Orphanet 64749, MedGen C4082197, MONDO:0018995.

Submission:

Labcorp Genetics (formerly Invitae), Labcorp
Classification: Uncertain significance for Charcot-Marie-Tooth disease type 4. Last evaluated: 2020-10-01. Review status: criteria provided, single submitter. Criteria: Invitae Variant Classification Sherloc (09022015). Collection method: clinical testing. Allele origin: germline.
Comment: This variant is not present in population databases (ExAC no frequency). In summary, this variant has uncertain impact on PRX function. The available evidence is currently insufficient to determine its role in disease. Therefore, it has been classified as a Variant of Uncertain Significance. Algorithms developed to predict the effect of missense changes on protein structure and function do not agree on the potential impact of this missense change (SIFT: "Tolerated"; PolyPhen-2: "Possibly Damaging"; Align-GVGD: "Class C0"). This variant has not been reported in the literature in individuals with a PRX-related disease. This sequence change replaces alanine with glutamic acid at codon 25 of the PRX protein (p.Ala25Glu). The alanine residue is highly conserved and there is a moderate physicochemical difference between alanine and glutamic acid.